The following is an entry in ClinVar:

NM_004360.5(CDH1):c.2071dup (p.Ala691fs)

Gene: CDH1 (cadherin 1; plus strand). Cytogenetic location: 16q22.1.
Variant type: Duplication.
Coding change: c.2071dup on transcript NM_004360.5 (MANE Select); coding-DNA position 2071, one base duplicated (G; older notation c.2071dupG).
Protein change: p.Ala691fs; shifts the reading frame from alanine 691.
Molecular consequence: frameshift variant.
Genome position (GRCh38, 1-based): chr16:68,823,533, G duplicated; the last of 4 consecutive G bases (chr16:68,823,530-68,823,533); duplicating any one gives the same sequence. VCF-style (leftmost placement, unchanged base first): chr16-68823529-A-AG. GRCh37 (hg19) VCF-style: chr16-68857432-A-AG.
Other names: c.1888dup, p.Ala630fs (NM_001317184.2); c.523dup, p.Ala175fs (NM_001317185.2); c.106dup, p.Ala36fs (NM_001317186.2); c.2071dupG (NM_004360.3); short protein forms A36fs, A630fs, A691fs, A175fs.
Identifiers: ClinVar variation 2587425 (VCV002587425.2), dbSNP rs2543945825, ClinGen allele CA2582342536.

ClinVar aggregate classification (germline): Pathogenic (1 of 4 stars; one submission).

Conditions:
Hereditary cancer-predisposing syndrome. Also called: Tumor predisposition; Hereditary Cancer Syndrome; Hereditary neoplastic syndrome; Neoplastic Syndromes, Hereditary. Identifiers: Orphanet 140162, MedGen C0027672, MeSH D009386, MONDO:0015356.

Submission:

Ambry Genetics
Classification: Pathogenic for Hereditary cancer-predisposing syndrome. Last evaluated: 2023-06-29. Review status: criteria provided, single submitter. Criteria: Ambry Variant Classification Scheme 2023. Collection method: clinical testing. Allele origin: germline.
Comment: The c.2071dupG pathogenic mutation, located in coding exon 13 of the CDH1 gene, results from a duplication of G at nucleotide position 2071, causing a translational frameshift with a predicted alternate stop codon (p.A691Gfs*6). This variant is considered to be rare based on population cohorts in the Genome Aggregation Database (gnomAD). This alteration is expected to result in loss of function by premature protein truncation or nonsense-mediated mRNA decay. As such, this alteration is interpreted as a disease-causing mutation.